The following is an entry in ClinVar:

NM_015443.4(KANSL1):c.3242C>G (p.Thr1081Ser)

Gene: KANSL1 (KAT8 regulatory NSL complex subunit 1). Cytogenetic location: 17q21.31.
Variant type: single nucleotide variant.
Coding change: c.3242C>G on transcript NM_015443.4 (MANE Select); coding-DNA position 3242, C replaced by G.
Protein change: p.Thr1081Ser; replaces threonine 1081 with serine.
Molecular consequence: missense variant.
Genome position (GRCh38, 1-based): chr17:46,031,552, G>C on the plus strand (C>G on the coding strand, the complement: KANSL1 is on the minus strand). VCF-style: chr17-46031552-G-C. GRCh37 (hg19) VCF-style: chr17-44108918-G-C.
Other names: c.3239C>G, p.Thr1080Ser (NM_001193465.2); c.3242C>G, p.Thr1081Ser (NM_001193466.2, NM_001379198.1); short protein forms T1081S, T1080S.
Identifiers: ClinVar variation 1354627 (VCV001354627.8), dbSNP rs2146299866, ClinGen allele CA399985745.

ClinVar aggregate classification (germline): Uncertain significance (1 of 4 stars; one submission).

Conditions:
Koolen-de Vries syndrome (KDVS). Identifiers: Orphanet 96169, MedGen C1864871, MONDO:0012496, OMIM 610443.

gnomAD v4.1: 1 of 1,614,090 alleles (0.000062%); highest among the groups gnomAD compares: Non-Finnish European, 0.000085%; no homozygotes.

Submission:

Labcorp Genetics (formerly Invitae), Labcorp
Classification: Uncertain significance for Koolen-de Vries syndrome. Last evaluated: 2021-05-18. Review status: criteria provided, single submitter. Criteria: Invitae Variant Classification Sherloc (09022015). Collection method: clinical testing. Allele origin: germline.
Comment: In summary, the available evidence is currently insufficient to determine the role of this variant in disease. Therefore, it has been classified as a Variant of Uncertain Significance. Algorithms developed to predict the effect of missense changes on protein structure and function (SIFT, PolyPhen-2, Align-GVGD) all suggest that this variant is likely to be tolerated, but these predictions have not been confirmed by published functional studies and their clinical significance is uncertain. This variant has not been reported in the literature in individuals with KANSL1-related conditions. This variant is not present in population databases (ExAC no frequency). This sequence change replaces threonine with serine at codon 1081 of the KANSL1 protein (p.Thr1081Ser). The threonine residue is highly conserved and there is a small physicochemical difference between threonine and serine.